The following is an entry in ClinVar:

NM_000059.4(BRCA2):c.7767del (p.Ser2590fs)

Gene: BRCA2 (BRCA2 DNA repair associated; plus strand). Cytogenetic location: 13q13.1.
Variant type: Deletion.
Coding change: c.7767del on transcript NM_000059.4 (MANE Select); coding-DNA position 7767, one base deleted (C; older notation c.7767delC).
Protein change: p.Ser2590fs; shifts the reading frame from serine 2590.
Molecular consequence: frameshift variant.
Genome position (GRCh38, 1-based): chr13:32,357,891, C deleted; the last of 3 consecutive C bases (chr13:32,357,889-32,357,891); deleting any one gives the same sequence. VCF-style (leftmost placement, unchanged base first): chr13-32357888-AC-A. GRCh37 (hg19) VCF-style: chr13-32932025-AC-A.
Other names: short protein forms S2590fs.
Identifiers: ClinVar variation 1072723 (VCV001072723.7), dbSNP rs2137567531, ClinGen allele CA2499222306.

ClinVar aggregate classification (germline): Pathogenic (1 of 4 stars; one submission).

Conditions:
Hereditary breast ovarian cancer syndrome. Also called: Hereditary breast and ovarian cancer syndrome (HBOC); Hereditary breast and/or ovarian cancer syndrome; Hereditary breast and ovarian cancer; BRCA1- and BRCA2-Associated Hereditary Breast and Ovarian Cancer; Hereditary breast and ovarian cancer syndrome; Breast and ovarian cancer. Identifiers: Orphanet 145, MedGen C0677776, MeSH D061325, MONDO:0003582. Disease mechanism: loss of function.

Submission:

Labcorp Genetics (formerly Invitae), Labcorp
Classification: Pathogenic for Hereditary breast ovarian cancer syndrome. Last evaluated: 2023-01-13. Review status: criteria provided, single submitter. Criteria: Invitae Variant Classification Sherloc (09022015). Collection method: clinical testing. Allele origin: germline.
Comment: For these reasons, this variant has been classified as Pathogenic. ClinVar contains an entry for this variant (Variation ID: 1072723). This variant has not been reported in the literature in individuals affected with BRCA2-related conditions. This variant is not present in population databases (gnomAD no frequency). This sequence change creates a premature translational stop signal (p.Ser2590Profs*58) in the BRCA2 gene. It is expected to result in an absent or disrupted protein product. Loss-of-function variants in BRCA2 are known to be pathogenic (PMID: 20104584).

Literature cited by the submitters: PubMed 20104584.